The following is an entry in ClinVar:

ClinVar aggregate classification (germline): Pathogenic (1 of 4 stars; one submission).

Conditions:
Ullrich congenital muscular dystrophy 2 (UCMD2). Identifiers: Orphanet 75840, MedGen C4225314, MONDO:0014654, OMIM 616470.
Bethlem myopathy 2 (BTHLM2). Identifiers: Orphanet 536516, Orphanet 610, MedGen C4225313, MONDO:0034022, OMIM 616471.

Submission:

Labcorp Genetics (formerly Invitae), Labcorp
Classification: Pathogenic for Bethlem myopathy 2; Ullrich congenital muscular dystrophy 2. Last evaluated: 2024-07-16. Review status: criteria provided, single submitter. Criteria: Invitae Variant Classification Sherloc (09022015). Collection method: clinical testing. Allele origin: germline.
Comment: This sequence change creates a premature translational stop signal (p.Gln2788Argfs*23) in the COL12A1 gene. It is expected to result in an absent or disrupted protein product. Loss-of-function variants in COL12A1 are known to be pathogenic (PMID: 24334604, 28973083). This variant is not present in population databases (gnomAD no frequency). This variant has not been reported in the literature in individuals affected with COL12A1-related conditions. For these reasons, this variant has been classified as Pathogenic.

Literature cited by the submitters: PubMed 24334604; PubMed 28973083.

NM_004370.6(COL12A1):c.8362del (p.Gln2788fs)

Gene: COL12A1 (collagen type XII alpha 1 chain; minus strand). Cytogenetic location: 6q13.
Variant type: Deletion.
Coding change: c.8362del on transcript NM_004370.6 (MANE Select); coding-DNA position 8362, one base deleted (C; older notation c.8362delC).
Protein change: p.Gln2788fs; shifts the reading frame from glutamine 2788.
Molecular consequence: frameshift variant.
Genome position (GRCh38, 1-based): chr6:75,102,650, G deleted on the plus strand (C on the coding strand, the reverse complement: COL12A1 is on the minus strand); the first of 5 consecutive G bases (chr6:75,102,650-75,102,654); deleting any one gives the same sequence. VCF-style (leftmost placement, unchanged base first): chr6-75102649-TG-T. GRCh37 (hg19) VCF-style: chr6-75812365-TG-T.
Other names: c.8362del, p.Gln2788fs (NM_001424113.1); c.8341del, p.Gln2781fs (NM_001424114.1); c.8089del, p.Gln2697fs (NM_001424115.1); c.4870del, p.Gln1624fs (NM_001424116.1, NM_080645.3); short protein forms Q1624fs, Q2697fs, Q2781fs, Q2788fs.
Identifiers: ClinVar variation 3757272 (VCV003757272.2).
Genomic context (GRCh38, chr6:75,102,649, plus strand): 5'-GTGCTTACTTGCTCTCCCGGAATAGAGAGTCCATTGGGTCCCTGAGGGCCTGGAGGACCC[TG>T]GGGGCCTGGAGGACCTATGTCTCCACGAGGACCAGGGGGCCCCTAAAATACACAAGAGAG-3'